The following is an entry in ClinVar:

NM_003072.5(SMARCA4):c.290G>C (p.Gly97Ala)

Gene: SMARCA4 (SWI/SNF related BAF chromatin remodeling complex subunit ATPase 4; plus strand). Cytogenetic location: 19p13.2.
Variant type: single nucleotide variant.
Coding change: c.290G>C on transcript NM_003072.5 (MANE Select); coding-DNA position 290, G replaced by C.
Protein change: p.Gly97Ala; replaces glycine 97 with alanine.
Molecular consequence: missense variant. On other transcripts: non-coding transcript variant (1).
Genome position (GRCh38, 1-based): chr19:10,985,340, G>C. VCF-style: chr19-10985340-G-C. GRCh37 (hg19) VCF-style: chr19-11096016-G-C.
Other names: c.290G>C, p.Gly97Ala (NM_001128844.3, NM_001128845.2, NM_001128846.2 and 5 more transcripts); short protein forms G97A.
Identifiers: ClinVar variation 574585 (VCV000574585.12), dbSNP rs1056057044, ClinGen allele CA305286189.

ClinVar aggregate classification (germline): Uncertain significance. Review status: criteria provided, multiple submitters, no conflicts (2 of 4 stars). 3 submissions from 3 submitters: Uncertain significance (3). Last evaluated 2025-09-14.

Conditions:
Rhabdoid tumor predisposition syndrome 2 (RTPS2). Identifiers: Orphanet 231108, Orphanet 69077, MedGen C2750074, MONDO:0013224, OMIM 613325.
Hereditary cancer-predisposing syndrome. Also called: Neoplastic Syndromes, Hereditary; Hereditary Cancer Syndrome; Tumor predisposition; Hereditary neoplastic syndrome. Identifiers: Orphanet 140162, MedGen C0027672, MeSH D009386, MONDO:0015356.

Allele frequency attached by ClinVar (database versions not stated): gnomAD exomes below 0.00001; TOPMed below 0.00001.
gnomAD v4.1: 3 of 1,614,078 alleles (0.00019%); highest among the groups gnomAD compares: Non-Finnish European, 0.00017%; no homozygotes.

Submissions (3):

Labcorp Genetics (formerly Invitae), Labcorp
Classification: Uncertain significance for Rhabdoid tumor predisposition syndrome 2. Last evaluated: 2025-09-14. Review status: criteria provided, single submitter. Criteria: Invitae Variant Classification Sherloc (09022015). Collection method: clinical testing. Allele origin: germline.
Comment: This sequence change replaces glycine, which is neutral and non-polar, with alanine, which is neutral and non-polar, at codon 97 of the SMARCA4 protein (p.Gly97Ala). This variant is not present in population databases (gnomAD no frequency). This variant has not been reported in the literature in individuals affected with SMARCA4-related conditions. ClinVar contains an entry for this variant (Variation ID: 574585). Invitae Evidence Modeling of protein sequence and biophysical properties (such as structural, functional, and spatial information, amino acid conservation, physicochemical variation, residue mobility, and thermodynamic stability) indicates that this missense variant is not expected to disrupt SMARCA4 protein function with a negative predictive value of 95%. In summary, the available evidence is currently insufficient to determine the role of this variant in disease. Therefore, it has been classified as a Variant of Uncertain Significance.

Ambry Genetics
Classification: Uncertain significance for Hereditary cancer-predisposing syndrome. Last evaluated: 2024-03-18. Review status: criteria provided, single submitter. Criteria: Ambry Variant Classification Scheme 2023. Collection method: clinical testing. Allele origin: germline.
Comment: The p.G97A variant (also known as c.290G>C), located in coding exon 2 of the SMARCA4 gene, results from a G to C substitution at nucleotide position 290. The glycine at codon 97 is replaced by alanine, an amino acid with similar properties. This amino acid position is well conserved in available vertebrate species. In addition, this alteration is predicted to be tolerated by in silico analysis. Missense and in-frame variants in SMARCA4 are known to cause neurodevelopmental disorders; however, such associations with rhabdoid tumor predisposition syndrome including small cell carcinoma of the ovary-hypercalcemic type (SCCOHT) are exceedingly rare (Kosho T et al. Am J Med Genet C Semin Med Genet. 2014 Sep;166C(3):262-75; Jelinic P et al. Nat Genet. 2014 May;46(5):424-6). Based on the supporting evidence, the association of this alteration with Coffin-Siris syndrome is unknown; however, the association of this alteration with rhabdoid tumor predisposition syndrome is unlikely.

GeneDx
Classification: Uncertain significance. Last evaluated: 2023-03-29. Review status: criteria provided, single submitter. Criteria: GeneDx Variant Classification Process June 2021. Collection method: clinical testing. Allele origin: germline. Affected: yes.
Comment: Not observed at significant frequency in large population cohorts (gnomAD); In silico analysis supports that this missense variant does not alter protein structure/function; Has not been previously published as pathogenic or benign to our knowledge